The following is an entry in ClinVar:

ClinVar aggregate classification (germline): Uncertain significance (1 of 4 stars; one submission).

Submission:

Women's Health and Genetics/Laboratory Corporation of America, LabCorp
Classification: Uncertain significance. Last evaluated: 2017-03-21. Review status: criteria provided, single submitter. Criteria: LabCorp Variant Classification Summary - May 2015. Collection method: clinical testing. Allele origin: germline.
Comment: Variant summary: The FBN1 c.2386T>C (p.Phe796Leu) variant causes a missense change involving the alteration of a conserved nucleotide. 3/4 in silico tools predict a benign outcome for this variant (SNPs&GO not captured due to low reliability index). This variant is absent in 121348 control chromosomes. The variant of interest has not, to our knowledge, been reported in affected individuals via publications and/or reputable databases/clinical diagnostic laboratories; nor evaluated for functional impact by in vivo/vitro studies. Because of the absence of clinical information and the lack of functional studies, the variant is classified as a variant of uncertain significance (VUS) until additional information becomes available.

NM_000138.5(FBN1):c.2386T>C (p.Phe796Leu)

Gene: FBN1 (fibrillin 1; minus strand). Cytogenetic location: 15q21.1.
Variant type: single nucleotide variant.
Coding change: c.2386T>C on transcript NM_000138.5 (MANE Select); coding-DNA position 2386, T replaced by C.
Protein change: p.Phe796Leu; replaces phenylalanine 796 with leucine.
Molecular consequence: missense variant.
Genome position (GRCh38, 1-based): chr15:48,496,133, A>G on the plus strand (T>C on the coding strand, the complement: FBN1 is on the minus strand). VCF-style: chr15-48496133-A-G. GRCh37 (hg19) VCF-style: chr15-48788330-A-G.
Other names: short protein forms F796L.
Identifiers: ClinVar variation 495575 (VCV000495575.1), dbSNP rs1555399266, ClinGen allele CA392335311.